The following is an entry in ClinVar:

ClinVar aggregate classification (germline): Uncertain significance (1 of 4 stars; one submission).

Conditions:
Baller-Gerold syndrome (BGS). Also called: CRANIOSYNOSTOSIS WITH RADIAL DEFECTS. Identifiers: Orphanet 1225, MedGen C0265308, MONDO:0009039, OMIM 218600.

Submission:

Labcorp Genetics (formerly Invitae), Labcorp
Classification: Uncertain significance for Baller-Gerold syndrome. Last evaluated: 2023-10-26. Review status: criteria provided, single submitter. Criteria: Invitae Variant Classification Sherloc (09022015). Collection method: clinical testing. Allele origin: germline.
Comment: This sequence change replaces valine, which is neutral and non-polar, with leucine, which is neutral and non-polar, at codon 768 of the RECQL4 protein (p.Val768Leu). This variant is not present in population databases (gnomAD no frequency). This variant has not been reported in the literature in individuals affected with RECQL4-related conditions. ClinVar contains an entry for this variant (Variation ID: 841271). Advanced modeling of protein sequence and biophysical properties (such as structural, functional, and spatial information, amino acid conservation, physicochemical variation, residue mobility, and thermodynamic stability) performed at Invitae indicates that this missense variant is not expected to disrupt RECQL4 protein function with a negative predictive value of 80%. In summary, the available evidence is currently insufficient to determine the role of this variant in disease. Therefore, it has been classified as a Variant of Uncertain Significance.

NM_004260.4(RECQL4):c.2302G>C (p.Val768Leu)

Gene: RECQL4 (RecQ like helicase 4; minus strand). Cytogenetic location: 8q24.3.
Variant type: single nucleotide variant.
Coding change: c.2302G>C on transcript NM_004260.4 (MANE Select); coding-DNA position 2302, G replaced by C.
Protein change: p.Val768Leu; replaces valine 768 with leucine.
Molecular consequence: missense variant.
Genome position (GRCh38, 1-based): chr8:144,513,379, C>G on the plus strand (G>C on the coding strand, the complement: RECQL4 is on the minus strand). VCF-style: chr8-144513379-C-G. GRCh37 (hg19) VCF-style: chr8-145738762-C-G.
Other names: short protein forms V768L.
Identifiers: ClinVar variation 841271 (VCV000841271.6), dbSNP rs1827623151, ClinGen allele CA372678387.